The following is an entry in ClinVar:

ClinVar aggregate classification (germline): Pathogenic/Likely pathogenic. Review status: criteria provided, multiple submitters, no conflicts (2 of 4 stars). 4 submissions from 4 submitters: Pathogenic (2); Likely pathogenic (2). Last evaluated 2026-04-15.

Conditions:
Nemaline myopathy 2 (NEM2). Also called: Nemaline myopathy 2, autosomal recessive. Identifiers: MedGen C1850569, MONDO:0009725, OMIM 256030.
Arthrogryposis multiplex congenita 6. Identifiers: MedGen C5543431, MONDO:0030281, OMIM 619334.

Allele frequency attached by ClinVar (database versions not stated): ExAC 0.00001; gnomAD 0.00001; ESP Exome Variant Server 0.00008; gnomAD exomes below 0.00001 and 0.00001.
gnomAD v4.1: 11 of 1,613,718 alleles (0.00068%); highest among the groups gnomAD compares: Non-Finnish European, 0.00093%; no homozygotes.

Submissions (4):

GeneDx
Classification: Pathogenic. Last evaluated: 2026-04-15. Review status: criteria provided, single submitter. Criteria: GeneDx Variant Classification Process June 2021. Collection method: clinical testing. Allele origin: germline.
Comment: Has not been previously published as pathogenic or benign to our knowledge; Not observed at significant frequency in large population cohorts (gnomAD); Nonsense variant predicted to result in protein truncation or nonsense mediated decay in a gene for which loss of function is a known mechanism of disease

Labcorp Genetics (formerly Invitae), Labcorp
Classification: Pathogenic for Nemaline myopathy 2. Last evaluated: 2024-01-27. Review status: criteria provided, single submitter. Criteria: Invitae Variant Classification Sherloc (09022015). Collection method: clinical testing. Allele origin: germline.
Comment: This sequence change creates a premature translational stop signal (p.Gln3907*) in the NEB gene. It is expected to result in an absent or disrupted protein product. Loss-of-function variants in NEB are known to be pathogenic (PMID: 25205138). This variant is present in population databases (rs377182240, gnomAD 0.002%). This variant has not been reported in the literature in individuals affected with NEB-related conditions. ClinVar contains an entry for this variant (Variation ID: 1163217). For these reasons, this variant has been classified as Pathogenic.

Baylor Genetics
Classification: Likely pathogenic for Arthrogryposis multiplex congenita 6. Last evaluated: 2024-01-19. Review status: criteria provided, single submitter. Criteria: ACMG Guidelines, 2015. Collection method: clinical testing. Allele origin: unknown.

Mayo Clinic Laboratories, Mayo Clinic
Classification: Likely pathogenic. Last evaluated: 2020-03-23. Review status: criteria provided, single submitter. Criteria: ACMG Guidelines, 2015. Collection method: clinical testing. Allele origin: germline. Observed: 1 variant allele.
Comment: PVS1, PM2

Literature cited by the submitters: PubMed 25205138 (cited by Labcorp Genetics (formerly Invitae), Labcorp).

NM_001164508.2(NEB):c.11719C>T (p.Gln3907Ter)

Gene: NEB (nebulin; minus strand). Cytogenetic location: 2q23.3.
Variant type: single nucleotide variant.
Coding change: c.11719C>T on transcript NM_001164508.2 (MANE Select); coding-DNA position 11719, C replaced by T.
Protein change: p.Gln3907Ter; replaces glutamine 3907 with a stop codon.
Molecular consequence: nonsense.
Genome position (GRCh38, 1-based): chr2:151,612,272, G>A on the plus strand (C>T on the coding strand, the complement: NEB is on the minus strand). VCF-style: chr2-151612272-G-A. GRCh37 (hg19) VCF-style: chr2-152468786-G-A.
Other names: c.11719C>T, p.Gln3907Ter (NM_001164507.2, NM_001271208.2); c.10990C>T, p.Gln3664Ter (NM_004543.5); c.11719C>T (NM_001271208.1); short protein forms Q3664*, Q3907*.
Identifiers: ClinVar variation 1163217 (VCV001163217.12), dbSNP rs377182240, ClinGen allele CA1908691.